The following is an entry in ClinVar:

ClinVar aggregate classification (germline): Pathogenic/Likely pathogenic. Review status: criteria provided, multiple submitters, no conflicts (2 of 4 stars). 14 submissions from 14 submitters: Pathogenic (8); Likely pathogenic (2). 4 of the submissions do not count toward it. Last evaluated 2025-11-13.

Conditions:
SLC7A7-related disorder. Also called: SLC7A7-related condition.
Lysinuric protein intolerance (LPI). Identifiers: Orphanet 470, MedGen C0268647, MONDO:0009109, OMIM 222700.

Allele frequency attached by ClinVar (database versions not stated): gnomAD exomes 0.00002; gnomAD 0.00006; TOPMed 0.00001; ExAC 0.00002.
gnomAD v4.1: 29 of 1,614,018 alleles (0.0018%); highest among the groups gnomAD compares: African/African-American, 0.0027%; no homozygotes.

Submissions (14):

Natera, Inc.
Classification: Likely pathogenic for Lysinuric protein intolerance. Last evaluated: 2025-11-13. Review status: criteria provided, single submitter. Criteria: Natera Variant Classification Schema (03/2026). Collection method: clinical testing. Allele origin: germline.
Comment: The c.1417C>T variant in SLC7A7 is a nonsense variant predicted to introduce a stop codon at amino acid 473. This variant may result in a truncated or dysfunctional protein product. This variant is rare in the general population with a frequency below the threshold expected for the associated phenotype(s). This variant has been observed in one or more individuals affected with the associated recessive disease, as either homozygous or compound heterozygous with a second variant (PMID: 28057010, 10655553). Given the available evidence, this variant is classified as Likely Pathogenic.

3billion
Classification: Pathogenic for Lysinuric protein intolerance. Last evaluated: 2025-11-06. Review status: criteria provided, single submitter. Criteria: ACMG Guidelines, 2015. Collection method: clinical testing. Allele origin: germline. Affected: yes.
Comment: The variant is observed at an extremely low frequency in the gnomAD v4.1.0 dataset (total allele frequency: 0.002%). Predicted Consequence/Location: Stop-gained (nonsense): predicted to result in a loss or disruption of normal protein function through protein truncation. The predicted truncated protein may be shortened by less than 10%. The variant has been reported to be in trans with a pathogenic variant as either compound heterozygous or homozygous in at least one similarly affected unrelated individual (PMID: 28028301). The variant has been reported at least twice as pathogenic with clinical assertions and evidence for the classification (ClinVar ID: VCV000056360 /PMID: 10655553 /3billion dataset). Therefore, this variant is classified as Pathogenic according to the recommendation of ACMG/AMP guideline.

Department of Pediatrics, Inner Mongolia Maternity and Child Health Care Hospital
Classification: Pathogenic for Lysinuric protein intolerance. Last evaluated: 2024-12-19. Review status: criteria provided, single submitter. Criteria: ACMG Guidelines, 2015. Collection method: clinical testing. Allele origin: maternal. Inheritance: Autosomal recessive inheritance. Affected: yes. Observed: 1 variant allele, 1 compound heterozygote.
Comment: This variant (c.1417C>T; p.Arg473*) in the SLC7A7 gene is classified as pathogenic based on the following evidence: (1) Variant type: Nonsense variant predicted to result in a premature termination codon, leading to nonsense-mediated mRNA decay. Loss-of-function is an established mechanism for LPI. (2) Population frequency: Absent or extremely rare in population databases (gnomAD). (4) Phenotype match: Same clinical presentation as described for the proband. (5) Literature review: No previous reports of this specific variant.

Genomic Medicine Center of Excellence, King Faisal Specialist Hospital and Research Centre
Classification: Pathogenic for Lysinuric protein intolerance. Last evaluated: 2024-03-26. Review status: criteria provided, single submitter. Criteria: ACMG Guidelines, 2015. Collection method: clinical testing. Allele origin: germline.

Labcorp Genetics (formerly Invitae), Labcorp
Classification: Pathogenic for Lysinuric protein intolerance. Last evaluated: 2024-02-24. Review status: criteria provided, single submitter. Criteria: Invitae Variant Classification Sherloc (09022015). Collection method: clinical testing. Allele origin: germline.
Comment: This sequence change creates a premature translational stop signal (p.Arg473*) in the SLC7A7 gene. While this is not anticipated to result in nonsense mediated decay, it is expected to disrupt the last 39 amino acid(s) of the SLC7A7 protein. This variant is present in population databases (rs386833808, gnomAD 0.008%). This premature translational stop signal has been observed in individual(s) with lysinuric protein intolerance (PMID: 10655553, 28028301). This variant is also known as c.1707C>T. ClinVar contains an entry for this variant (Variation ID: 56360). This variant disrupts a region of the SLC7A7 protein in which other variant(s) (p.Ser489Pro) have been observed in individuals with SLC7A7-related conditions (PMID: 12402335). This suggests that this is a clinically significant region of the protein, and that variants that disrupt it are likely to be disease-causing. For these reasons, this variant has been classified as Pathogenic.

CeGaT Center for Human Genetics Tuebingen
Classification: Pathogenic. Last evaluated: 2023-12-01. Review status: criteria provided, single submitter. Criteria: CeGaT Center For Human Genetics Tuebingen Variant Classification Criteria Version 2. Collection method: clinical testing. Allele origin: germline. Affected: yes. Observed: 1 variant allele.
Comment: SLC7A7: PVS1:Strong, PM2, PM3, PP4:Moderate

Women's Health and Genetics/Laboratory Corporation of America, LabCorp
Classification: Pathogenic for Lysinuric protein intolerance. Last evaluated: 2022-04-07. Review status: criteria provided, single submitter. Criteria: LabCorp Variant Classification Summary - May 2015. Collection method: clinical testing. Allele origin: germline.
Comment: Variant summary: SLC7A7 c.1417C>T (p.Arg473X) results in a premature termination codon. Although the variant is not predicted to cause nonsense mediated decay, it is predicted to cause a truncation of the encoded protein, which is a commonly known mechanism for disease. Truncations downstream of this position have been classified as likely pathogenic in ClinVar. The variant allele was found at a frequency of 2e-05 in 251402 control chromosomes (gnomAD). c.1417C>T has been reported in the literature in three homozygous individuals affected with Lysinuric Protein Intolerance (Mykkanen_2000, Habib_2016). These data indicate that the variant is very likely to be associated with disease. To our knowledge, no experimental evidence demonstrating an impact on protein function has been reported. One ClinVar submitter has assessed the variant since 2014: the variant was classified as pathogenic. Based on the evidence outlined above, the variant was classified as pathogenic.

Blueprint Genetics
Classification: Pathogenic for SLC7A7-related disorders. Last evaluated: 2020-11-05. Review status: criteria provided, single submitter. Criteria: ACMG Guidelines, 2015. Collection method: clinical testing. Allele origin: germline. Affected: yes. Observed: 2 variant alleles.

Juno Genomics, Hangzhou Juno Genomics, Inc
Classification: Likely pathogenic for Lysinuric protein intolerance. Review status: criteria provided, single submitter. Criteria: ACMG Guidelines, 2015. Collection method: clinical testing. Allele origin: germline.
Comment: Absent from controls (or at extremely low frequency if recessive) in Genome Aggregation Database.;Null variant in a gene where loss of function (LOF) is a known mechanism of disease.;For recessive disorders, detected in trans with a pathogenic variant.;Patient's phenotype or family history is highly specific for a disease with a single genetic etiology.

Neuberg Centre For Genomic Medicine, NCGM
Classification: Pathogenic for Lysinuric protein intolerance. Review status: criteria provided, single submitter. Criteria: ACMG Guidelines, 2015. Collection method: clinical testing. Allele origin: germline. Inheritance: Autosomal recessive inheritance. Affected: yes.
Comment: The observed stop gained variant c.1417C>T(p.Arg473Ter) in the SLC7A7 gene has been reported previously in individuals affected with lysinuric protein intolerance (Habib A, et al., 2016; Mauhin W, et al., 2017). This variant is reported with the allele frequency 0.002% in the gnomAD Exomes. It is submitted to ClinVar as Pathogenic. Computational evidence (MutationTaster - Disease causing) predicts damaging effect on protein structure and function for this variant. This variant is predicted to cause loss of normal protein function either through protein truncation or nonsense-mediated mRNA decay. Loss of function variants have been previously reported to be disease causing. For these reasons, this variant has been classified as Pathogenic.

Clinical Genetics DNA and cytogenetics Diagnostics Lab, Erasmus MC, Erasmus Medical Center
Classification: Likely pathogenic. Review status: no assertion criteria provided. Collection method: clinical testing. Allele origin: germline. Affected: yes. Study: VKGL Data-share Consensus. Not counted in ClinVar's aggregate classification.

Genome Diagnostics Laboratory, University Medical Center Utrecht
Classification: Likely pathogenic. Review status: no assertion criteria provided. Collection method: clinical testing. Allele origin: germline. Affected: yes. Study: VKGL Data-share Consensus. Not counted in ClinVar's aggregate classification.

Joint Genome Diagnostic Labs from Nijmegen and Maastricht, Radboudumc and MUMC+
Classification: Likely pathogenic. Review status: no assertion criteria provided. Collection method: clinical testing. Allele origin: germline. Affected: yes. Study: VKGL Data-share Consensus. Not counted in ClinVar's aggregate classification.

Juha Muilu Group; Institute for Molecular Medicine Finland (FIMM)
Classification: Likely pathogenic for Lysinuric protein intolerance. Review status: no assertion criteria provided. Collection method: not provided. Allele origin: unknown. Not counted in ClinVar's aggregate classification.
Comment: FinDis database variant: This variant was not found or characterized by our laboratory, data were collected from public sources: see reference
ClinVar note: Converted during submission from probable-pathogenic to Likely pathogenic.

Literature cited by the submitters: PubMed 28057010 (cited by Natera, Inc.); PubMed 10655553 (cited by 4 submitters); PubMed 28028301 (cited by 3 submitters); PubMed 21308987 (cited by Department of Pediatrics, Inner Mongolia Maternity and Child Health Care Hospital); PubMed 12402335 (cited by Labcorp Genetics (formerly Invitae), Labcorp).

NM_003982.4(SLC7A7):c.1417C>T (p.Arg473Ter)

Gene: SLC7A7 (solute carrier family 7 member 7; minus strand). Cytogenetic location: 14q11.2.
Variant type: single nucleotide variant.
Coding change: c.1417C>T on transcript NM_003982.4 (MANE Select); coding-DNA position 1417, C replaced by T.
Protein change: p.Arg473Ter; replaces arginine 473 with a stop codon.
Molecular consequence: nonsense.
Genome position (GRCh38, 1-based): chr14:22,773,945, G>A on the plus strand (C>T on the coding strand, the complement: SLC7A7 is on the minus strand). VCF-style: chr14-22773945-G-A. GRCh37 (hg19) VCF-style: chr14-23243154-G-A.
Other names: c.1417C>T, p.Arg473Ter (NM_001126105.3, NM_001126106.4); short protein forms R473*.
Identifiers: ClinVar variation 56360 (VCV000056360.41), dbSNP rs386833808, ClinGen allele CA263795.